The following is an entry in ClinVar:

ClinVar aggregate classification (germline): Uncertain significance (1 of 4 stars; one submission).

Conditions:
FGFR3-related disorder. Also called: FGFR3-related disorders.

Submission:

PreventionGenetics, part of Exact Sciences
Classification: Uncertain significance for FGFR3-related condition. Last evaluated: 2025-03-17. Review status: criteria provided, single submitter. Criteria: ACMG Guidelines, 2015. Collection method: clinical testing. Allele origin: germline.
Comment: The FGFR3 c.2373_2375delAAT variant is predicted to result in premature protein termination (p.Met792*). This variant occurs in the post-coding region in the primary transcript for this gene (NM_000142:c.*20_*22delAAT). To our knowledge, this variant has not been reported in the literature or in a large population database, indicating this variant is rare. At this time, the clinical significance of this variant is uncertain due to the absence of conclusive functional and genetic evidence.

NM_000142.5(FGFR3):c.*20_*22del

Gene: FGFR3 (fibroblast growth factor receptor 3; plus strand). Cytogenetic location: 4p16.3.
Variant type: Deletion.
Coding change: c.*20_*22del on transcript NM_000142.5 (MANE Select); 20 bases downstream of the stop codon through 22 bases downstream of the stop codon, 3 bases deleted (AAT; older notation c.*20_*22delAAT).
Molecular consequence: 3 prime UTR variant. On other transcripts: inframe deletion (1), non-coding transcript variant (1).
Genome position (GRCh38, 1-based): chr4:1,807,282-1,807,284, AAT deleted. VCF-style (leftmost placement, unchanged base first): chr4-1807281-CAAT-C. GRCh37 (hg19) VCF-style: chr4-1809008-CAAT-C.
Other names: c.*20_*22del (NM_001163213.2, NM_001354809.2, NM_022965.4); c.2373_2375del, p.Met792del (NM_001354810.2); short protein forms M792del.
Identifiers: ClinVar variation 4989197 (VCV004989197.1).